The following is an entry in ClinVar:

ClinVar aggregate classification (germline): Pathogenic (1 of 4 stars; one submission).

Submission:

Labcorp Genetics (formerly Invitae), Labcorp
Classification: Pathogenic. Last evaluated: 2025-11-10. Review status: criteria provided, single submitter. Criteria: Invitae Variant Classification Sherloc (09022015). Collection method: clinical testing. Allele origin: germline.
Comment: This sequence change creates a premature translational stop signal (p.Leu596Argfs*14) in the CARMIL2 gene. It is expected to result in an absent or disrupted protein product. Loss-of-function variants in CARMIL2 are known to be pathogenic (PMID: 27647349, 28112205). This variant is not present in population databases (gnomAD no frequency). This variant has not been reported in the literature in individuals affected with CARMIL2-related conditions. For these reasons, this variant has been classified as Pathogenic.

Literature cited by the submitters: PubMed 27647349; PubMed 28112205.

NM_001013838.3(CARMIL2):c.1787_1788del (p.Leu596fs)

Gene: CARMIL2 (capping protein regulator and myosin 1 linker 2; plus strand). Cytogenetic location: 16q22.1.
Variant type: Deletion.
Coding change: c.1787_1788del on transcript NM_001013838.3 (MANE Select); coding-DNA positions 1787 to 1788, 2 bases deleted (TG; older notation c.1787_1788delTG).
Protein change: p.Leu596fs; shifts the reading frame from leucine 596.
Molecular consequence: frameshift variant.
Genome position (GRCh38, 1-based): chr16:67,649,487-67,649,488, TG deleted. VCF-style (leftmost placement, unchanged base first): chr16-67649486-CTG-C. GRCh37 (hg19) VCF-style: chr16-67683389-CTG-C.
Other names: c.1679_1680del, p.Leu560fs (NM_001317026.3, NM_001438244.1, NM_001438835.1); short protein forms L596fs, L560fs.
Identifiers: ClinVar variation 4694043 (VCV004694043.1).